The following is an entry in ClinVar:

ClinVar aggregate classification (germline): Likely pathogenic (1 of 4 stars; one submission).

Submission:

Mayo Clinic Laboratories, Mayo Clinic
Classification: Likely pathogenic. Last evaluated: 2024-02-02. Review status: criteria provided, single submitter. Criteria: ACMG Guidelines, 2015. Collection method: clinical testing. Allele origin: germline. Observed: 1 variant allele.
Comment: PM2_moderate, PVS1

NM_000301.5(PLG):c.763del (p.Glu255fs)

Gene: PLG (plasminogen; plus strand). Cytogenetic location: 6q26.
Variant type: Deletion.
Coding change: c.763del on transcript NM_000301.5 (MANE Select); coding-DNA position 763, one base deleted (G; older notation c.763delG).
Protein change: p.Glu255fs; shifts the reading frame from glutamic acid 255.
Molecular consequence: frameshift variant.
Genome position (GRCh38, 1-based): chr6:160,716,739, G deleted; the last of 3 consecutive G bases (chr6:160,716,737-160,716,739); deleting any one gives the same sequence. VCF-style (leftmost placement, unchanged base first): chr6-160716736-TG-T. GRCh37 (hg19) VCF-style: chr6-161137768-TG-T.
Other names: p.Glu255Asnfs*22; c.763delG, p.Glu255Asnfs (NM_000301.3); short protein forms E255fs.
Identifiers: ClinVar variation 3381018 (VCV003381018.1).
Genomic context (GRCh38, chr6:160,716,736, plus strand): 5'-TGTCGTAACCCCGATAGGGAGCTGCGGCCTTGGTGTTTCACCACCGACCCCAACAAGCGC[TG>T]GGAACTTTGTGACATCCCCCGCTGCAGTGAGTATGATGCACACCCAGATTCCAGGATTTG-3'